The following is an entry in ClinVar:

ClinVar aggregate classification (germline): Likely benign (1 of 4 stars; one submission).

Allele frequency attached by ClinVar (database versions not stated): 1000 Genomes Project 0.00160; 1000 Genomes Project 30x 0.00203; TOPMed 0.00335; ESP Exome Variant Server 0.00477; gnomAD 0.00543; ExAC 0.00594; gnomAD exomes 0.00665.
gnomAD v4.1: 10,432 of 1,612,284 alleles (0.65%); highest among the groups gnomAD compares: South Asian, 1%; 70 homozygotes.

Submission:

CeGaT Center for Human Genetics Tuebingen
Classification: Likely benign. Last evaluated: 2023-05-01. Review status: criteria provided, single submitter. Criteria: CeGaT Center For Human Genetics Tuebingen Variant Classification Criteria Version 2. Collection method: clinical testing. Allele origin: germline. Affected: yes. Observed: 1 variant allele.
Comment: ABCA6: BP4, BP7, BS2

NM_080284.3(ABCA6):c.3909A>G (p.Ala1303=)

Gene: ABCA6 (ATP binding cassette subfamily A member 6; minus strand). Cytogenetic location: 17q24.2.
Variant type: single nucleotide variant.
Coding change: c.3909A>G on transcript NM_080284.3 (MANE Select); coding-DNA position 3909, A replaced by G.
Protein change: p.Ala1303=; no amino-acid change (alanine 1303 retained).
Molecular consequence: synonymous variant.
Genome position (GRCh38, 1-based): chr17:69,086,646, T>C on the plus strand (A>G on the coding strand, the complement: ABCA6 is on the minus strand). VCF-style: chr17-69086646-T-C. GRCh37 (hg19) VCF-style: chr17-67082787-T-C.
Identifiers: ClinVar variation 2648162 (VCV002648162.24), dbSNP rs138917560, ClinGen allele CA8733738.